The following is an entry in ClinVar:

NM_001367624.2(ZNF469):c.6739G>A (p.Asp2247Asn)

Gene: ZNF469 (zinc finger protein 469; plus strand). Cytogenetic location: 16q24.2.
Variant type: single nucleotide variant.
Coding change: c.6739G>A on transcript NM_001367624.2 (MANE Select); coding-DNA position 6739, G replaced by A.
Protein change: p.Asp2247Asn; replaces aspartic acid 2247 with asparagine.
Molecular consequence: missense variant.
Genome position (GRCh38, 1-based): chr16:88,434,209, G>A. VCF-style: chr16-88434209-G-A. GRCh37 (hg19) VCF-style: chr16-88500617-G-A.
Other names: NM_001127464.1:c.6655G>A; p.Asp2247Asn; short protein forms D2247N.
Identifiers: ClinVar variation 1313999 (VCV001313999.8), dbSNP rs371739743, ClinGen allele CA286381906.
Genomic context (GRCh38, chr16:88,434,209, plus strand): 5'-TCCTGGCCTCCTGGCTCCGTCAGTGCTGTAACCTGCACTCACAGTGGGGACACCCCCAAA[G>A]ACAGCACTTTAAGAATTCCAGAGGATTCCAGAAAAGAGAAGCTGTGGGAGTCTCCTGGCC-3'
Protein context (NP_001354553.1, residues 2237-2257): TCTHSGDTPK[Asp2247Asn]STLRIPEDSR

ClinVar aggregate classification (germline): Uncertain significance. Review status: criteria provided, multiple submitters, no conflicts (2 of 4 stars). 5 submissions from 5 submitters: Uncertain significance (5). Last evaluated 2026-03-23.

Conditions:
Cardiovascular phenotype. Identifiers: MedGen CN230736.

gnomAD v4.1: 3 of 1,550,382 alleles (0.00019%); highest among the groups gnomAD compares: Middle Eastern, 0.017%; no homozygotes.

Submissions (5):

Women's Health and Genetics/Laboratory Corporation of America, LabCorp
Classification: Uncertain significance. Last evaluated: 2026-03-23. Review status: criteria provided, single submitter. Criteria: LabCorp Variant Classification Summary - May 2015. Collection method: clinical testing. Allele origin: germline.
Comment: Variant summary: ZNF469 c.6739G>A (p.Asp2247Asn) results in a conservative amino acid change in the encoded protein sequence. Algorithms developed to predict the effect of missense changes on protein structure and function are either unavailable or do not agree on the potential impact of this missense change. The variant was absent in 153612 control chromosomes. The available data on variant occurrences in the general population are insufficient to allow any conclusion about variant significance. To our knowledge, no occurrence of c.6739G>A in individuals affected with ZNF469-related conditions and no experimental evidence demonstrating its impact on protein function have been reported. ClinVar contains an entry for this variant (Variation ID: 1313999). Based on the evidence outlined above, the variant was classified as uncertain significance.

Mayo Clinic Laboratories, Mayo Clinic
Classification: Uncertain significance. Last evaluated: 2024-03-27. Review status: criteria provided, single submitter. Criteria: ACMG Guidelines, 2015. Collection method: clinical testing. Allele origin: germline. Observed: 1 variant allele.
Comment: BP4, PM2

Ambry Genetics
Classification: Uncertain significance for Cardiovascular phenotype. Last evaluated: 2023-08-03. Review status: criteria provided, single submitter. Criteria: Ambry Variant Classification Scheme 2023. Collection method: clinical testing. Allele origin: germline.
Comment: The p.D2219N variant (also known as c.6655G>A), located in coding exon 2 of the ZNF469 gene, results from a G to A substitution at nucleotide position 6655. The aspartic acid at codon 2219 is replaced by asparagine, an amino acid with highly similar properties. This amino acid position is poorly conserved in available vertebrate species. In addition, this alteration is predicted to be tolerated by in silico analysis. Since supporting evidence is limited at this time, the clinical significance of this alteration remains unclear.

Labcorp Genetics (formerly Invitae), Labcorp
Classification: Uncertain significance. Last evaluated: 2022-02-25. Review status: criteria provided, single submitter. Criteria: Invitae Variant Classification Sherloc (09022015). Collection method: clinical testing. Allele origin: germline.
Comment: This sequence change replaces aspartic acid, which is acidic and polar, with asparagine, which is neutral and polar, at codon 2219 of the ZNF469 protein (p.Asp2219Asn). This variant is not present in population databases (gnomAD no frequency). This variant has not been reported in the literature in individuals affected with ZNF469-related conditions. ClinVar contains an entry for this variant (Variation ID: 1313999). Algorithms developed to predict the effect of missense changes on protein structure and function output the following: SIFT: "Tolerated"; PolyPhen-2: "Benign"; Align-GVGD: "Class C0". The asparagine amino acid residue is found in multiple mammalian species, which suggests that this missense change does not adversely affect protein function. In summary, the available evidence is currently insufficient to determine the role of this variant in disease. Therefore, it has been classified as a Variant of Uncertain Significance.

GeneDx
Classification: Uncertain significance. Last evaluated: 2021-01-11. Review status: criteria provided, single submitter. Criteria: GeneDx Variant Classification Process June 2021. Collection method: clinical testing. Allele origin: germline. Affected: yes.
Comment: Not observed in large population cohorts (Lek et al., 2016); In silico analysis supports that this missense variant does not alter protein structure/function; Has not been previously published as pathogenic or benign to our knowledge